The following is an entry in ClinVar:

NM_001148.6(ANK2):c.10194T>G (p.Asp3398Glu)

Gene: ANK2 (ankyrin 2; plus strand). Cytogenetic location: 4q26.
Variant type: single nucleotide variant.
Coding change: c.10194T>G on transcript NM_001148.6 (MANE Select); coding-DNA position 10194, T replaced by G.
Protein change: p.Asp3398Glu; replaces aspartic acid 3398 with glutamic acid.
Molecular consequence: missense variant. On other transcripts: intron variant (68).
Genome position (GRCh38, 1-based): chr4:113,358,812, T>G. VCF-style: chr4-113358812-T-G. GRCh37 (hg19) VCF-style: chr4-114279968-T-G.
Other names: c.9960T>G, p.Asp3320Glu (NM_001386142.1); c.6594T>G, p.Asp2198Glu (NM_001386166.1); c.10335T>G, p.Asp3445Glu (NM_001386174.1); c.10311T>G, p.Asp3437Glu (NM_001386175.1); c.4412-2011T>G (NM_001386186.2, NM_001386148.2); c.4214-2011T>G (NM_001354269.3); c.4292-2011T>G (NM_001386187.2); c.4253-2011T>G (NM_001386147.1); and 35 more; short protein forms D2198E, D3445E, D3398E, D3437E, D3320E.
Identifiers: ClinVar variation 2700922 (VCV002700922.3), dbSNP rs2506027311, ClinGen allele CA357939888.

ClinVar aggregate classification (germline): Uncertain significance (1 of 4 stars; one submission).

Conditions:
Long QT syndrome (LQTS). Identifiers: MedGen C0023976, MeSH D008133, MONDO:0002442. Disease mechanism: loss of function. Inheritance: Various modes of inheritance.

Submission:

Labcorp Genetics (formerly Invitae), Labcorp
Classification: Uncertain significance for Long QT syndrome. Last evaluated: 2023-12-13. Review status: criteria provided, single submitter. Criteria: Invitae Variant Classification Sherloc (09022015). Collection method: clinical testing. Allele origin: germline.
Comment: This sequence change replaces aspartic acid, which is acidic and polar, with glutamic acid, which is acidic and polar, at codon 3398 of the ANK2 protein (p.Asp3398Glu). This variant is not present in population databases (gnomAD no frequency). This variant has not been reported in the literature in individuals affected with ANK2-related conditions. An algorithm developed to predict the effect of missense changes on protein structure and function (PolyPhen-2) suggests that this variant is likely to be disruptive. In summary, the available evidence is currently insufficient to determine the role of this variant in disease. Therefore, it has been classified as a Variant of Uncertain Significance.